The following is an entry in ClinVar:

NM_016026.4(RDH11):c.673G>C (p.Val225Leu)

Genes: GPHN (gephyrin; plus strand), RDH11 (retinol dehydrogenase 11; minus strand). Cytogenetic location: 14q24.1.
Variant type: single nucleotide variant.
Coding change: c.673G>C on transcript NM_016026.4 (MANE Select); coding-DNA position 673, G replaced by C.
Protein change: p.Val225Leu; replaces valine 225 with leucine.
Molecular consequence: missense variant.
Genome position (GRCh38, 1-based): chr14:67,685,196, C>G on the plus strand (G>C on the coding strand, the complement: RDH11 is on the minus strand). VCF-style: chr14-67685196-C-G. GRCh37 (hg19) VCF-style: chr14-68151913-C-G.
Other names: c.463G>C, p.Val155Leu (NM_001252650.2); short protein forms V225L, V155L.
Identifiers: ClinVar variation 1381383 (VCV001381383.6), dbSNP rs200511286, ClinGen allele CA390131416.

ClinVar aggregate classification (germline): Uncertain significance (1 of 4 stars; one submission).

Submission:

Labcorp Genetics (formerly Invitae), Labcorp
Classification: Uncertain significance. Last evaluated: 2022-03-09. Review status: criteria provided, single submitter. Criteria: Invitae Variant Classification Sherloc (09022015). Collection method: clinical testing. Allele origin: germline.
Comment: In summary, the available evidence is currently insufficient to determine the role of this variant in disease. Therefore, it has been classified as a Variant of Uncertain Significance. Algorithms developed to predict the effect of missense changes on protein structure and function are either unavailable or do not agree on the potential impact of this missense change (SIFT: "Deleterious"; PolyPhen-2: "Benign"; Align-GVGD: "Class C0"). This variant has not been reported in the literature in individuals affected with RDH11-related conditions. This variant is not present in population databases (gnomAD no frequency). This sequence change replaces valine, which is neutral and non-polar, with leucine, which is neutral and non-polar, at codon 225 of the RDH11 protein (p.Val225Leu).